The following is an entry in ClinVar:

NM_001035.3(RYR2):c.2396+180C>G

Gene: RYR2 (ryanodine receptor 2; plus strand). Cytogenetic location: 1q43.
Variant type: single nucleotide variant.
Coding change: c.2396+180C>G on transcript NM_001035.3 (MANE Select); 180 bases into the intron after coding-DNA position 2396, C replaced by G.
Molecular consequence: intron variant.
Genome position (GRCh38, 1-based): chr1:237,501,083, C>G. VCF-style: chr1-237501083-C-G. GRCh37 (hg19) VCF-style: chr1-237664383-C-G.
Identifiers: ClinVar variation 675516 (VCV000675516.1), dbSNP rs76660330, ClinGen allele CA39828920.

ClinVar aggregate classification (germline): Likely benign (1 of 4 stars; one submission).

Allele frequency attached by ClinVar (database versions not stated): gnomAD 0.00999 and 0.01035; TOPMed 0.01079; 1000 Genomes Project 0.01318; 1000 Genomes Project 30x 0.01468.
gnomAD v4.1: 1,514 of 152,052 alleles (1%); highest among the groups gnomAD compares: African/African-American, 3.3%; 28 homozygotes.

Submission:

GeneDx
Classification: Likely benign. Last evaluated: 2018-06-16. Review status: criteria provided, single submitter. Criteria: GeneDx Variant Classification (06012015). Collection method: clinical testing. Allele origin: germline. Affected: yes.
Comment: This variant is considered likely benign or benign based on one or more of the following criteria: it is a conservative change, it occurs at a poorly conserved position in the protein, it is predicted to be benign by multiple in silico algorithms, and/or has population frequency not consistent with disease.